The following is an entry in ClinVar:

NM_001079668.3(NKX2-1):c.976_994del (p.Ala326fs)

Genes: SFTA3 (surfactant associated 3; minus strand), NKX2-1 (NK2 homeobox 1; minus strand). Cytogenetic location: 14q13.3.
Variant type: Deletion.
Coding change: c.976_994del on transcript NM_001079668.3 (MANE Select); coding-DNA positions 976 to 994, 19 bases deleted (GCCGCGCAGGCGGCGGCAG).
Protein change: p.Ala326fs; shifts the reading frame from alanine 326.
Molecular consequence: frameshift variant.
Genome position (GRCh38, 1-based): chr14:36,517,490-36,517,508, CTGCCGCCGCCTGCGCGGC deleted on the plus strand (GCCGCGCAGGCGGCGGCAG on the coding strand, the reverse complement: NKX2-1 is on the minus strand); deleting any 19 consecutive bases within chr14:36,517,490-36,517,512 gives the same sequence; the c. name uses the placement nearest the transcript's 3' end. VCF-style (leftmost placement, unchanged base first): chr14-36517489-GCTGCCGCCGCCTGCGCGGC-G. GRCh37 (hg19) VCF-style: chr14-36986694-GCTGCCGCCGCCTGCGCGGC-G.
Other names: c.886_904del, p.Ala296fs (NM_003317.4); short protein forms A296fs, A326fs.
Identifiers: ClinVar variation 817714 (VCV000817714.1), dbSNP rs1594403386, ClinGen allele CA915948902.

ClinVar aggregate classification (germline): Likely pathogenic (1 of 4 stars; one submission).

Submission:

GeneDx
Classification: Likely pathogenic. Last evaluated: 2018-06-27. Review status: criteria provided, single submitter. Criteria: GeneDx Variant Classification (06012015). Collection method: clinical testing. Allele origin: germline. Affected: yes.
Comment: The c.976_994del19 variant in the NKX2-1 gene has not been reported previously as a pathogenic variant nor as a benign variant, to our knowledge. The c.976_994del19 variant causes a frameshift starting with codon Alanine 326, changes this amino acid to an Arginine residue, and creates a premature Stop codon at position 49 of the new reading frame, denoted p.Ala326ArgfsX49. This variant is predicted to cause loss of normal protein function through protein truncation. The c.976_994del19 variant is not observed in large population cohorts (Lek et al., 2016). We interpret c.976_994del19 as a likely pathogenic variant.